The following is an entry in ClinVar:

ClinVar aggregate classification (germline): Uncertain significance (1 of 4 stars; one submission).

Allele frequency attached by ClinVar (database versions not stated): TOPMed 0.00001.

Submission:

Labcorp Genetics (formerly Invitae), Labcorp
Classification: Uncertain significance. Last evaluated: 2024-12-23. Review status: criteria provided, single submitter. Criteria: Invitae Variant Classification Sherloc (09022015). Collection method: clinical testing. Allele origin: germline.
Comment: This sequence change replaces glycine, which is neutral and non-polar, with arginine, which is basic and polar, at codon 111 of the ADAMTS13 protein (p.Gly111Arg). This variant is not present in population databases (gnomAD no frequency). This variant has not been reported in the literature in individuals affected with ADAMTS13-related conditions. ClinVar contains an entry for this variant (Variation ID: 1992477). An algorithm developed to predict the effect of missense changes on protein structure and function (PolyPhen-2) suggests that this variant is likely to be disruptive. In summary, the available evidence is currently insufficient to determine the role of this variant in disease. Therefore, it has been classified as a Variant of Uncertain Significance.

NM_139027.6(ADAMTS13):c.331G>A (p.Gly111Arg)

Gene: ADAMTS13 (ADAM metallopeptidase with thrombospondin type 1 motif 13; plus strand). Cytogenetic location: 9q34.2.
Variant type: single nucleotide variant.
Coding change: c.331G>A on transcript NM_139027.6 (MANE Select); coding-DNA position 331, G replaced by A.
Protein change: p.Gly111Arg; replaces glycine 111 with arginine.
Molecular consequence: missense variant. On other transcripts: non-coding transcript variant (1).
Genome position (GRCh38, 1-based): chr9:133,425,529, G>A. VCF-style: chr9-133425529-G-A. GRCh37 (hg19) VCF-style: chr9-136290649-G-A.
Other names: c.331G>A, p.Gly111Arg (NM_139025.5, NM_139026.6); short protein forms G111R.
Identifiers: ClinVar variation 1992477 (VCV001992477.4), dbSNP rs1840222738, ClinGen allele CA375707333.